The following is an entry in ClinVar:

NM_017852.5(NLRP2):c.3050+257C>T

Gene: NLRP2 (NLR family pyrin domain containing 2; plus strand). Cytogenetic location: 19q13.42.
Variant type: single nucleotide variant.
Coding change: c.3050+257C>T on transcript NM_017852.5 (MANE Select); 257 bases into the intron after coding-DNA position 3050, C replaced by T.
Molecular consequence: intron variant.
Genome position (GRCh38, 1-based): chr19:54,997,744, C>T. VCF-style: chr19-54997744-C-T. GRCh37 (hg19) VCF-style: chr19-55509112-C-T.
Other names: c.3050+257C>T (NM_001174081.3); c.3041+257C>T (NM_001348003.2); c.2984+257C>T (NM_001174082.3); c.2981+257C>T (NM_001174083.2).
Identifiers: ClinVar variation 103065 (VCV000103065.2), dbSNP rs199475726, ClinGen allele CA230060.

ClinVar aggregate classification (germline): not provided (0 of 4 stars; one submission).

Allele frequency attached by ClinVar (database versions not stated): 1000 Genomes Project 30x 0.00016; 1000 Genomes Project 0.00020; TOPMed 0.00127; gnomAD 0.00184 and 0.00191.
gnomAD v4.1: 276 of 151,888 alleles (0.18%); highest among the groups gnomAD compares: Non-Finnish European, 0.21%; no homozygotes.

Submission:

Human Evolutionary Genetics, Institut Pasteur
No classification provided. Review status: no classification provided. Collection method: not provided. Allele origin: germline.
ClinVar note: Converted during submission from untested to not provided.